The following is an entry in ClinVar:

NM_000238.4(KCNH2):c.1921_1923del (p.Ser641del)

Gene: KCNH2 (potassium voltage-gated channel subfamily H member 2; minus strand). Cytogenetic location: 7q36.1.
Variant type: Deletion.
Coding change: c.1921_1923del on transcript NM_000238.4 (MANE Select); coding-DNA positions 1921 to 1923, 3 bases deleted (TCC; older notation c.1921_1923delTCC).
Protein change: p.Ser641del; deletes serine 641.
Molecular consequence: inframe deletion. On other transcripts: inframe indel (5).
Genome position (GRCh38, 1-based): chr7:150,951,470-150,951,472, GGA deleted on the plus strand (TCC on the coding strand, the reverse complement: KCNH2 is on the minus strand); deleting any 3 consecutive bases within chr7:150,951,470-150,951,473 gives the same sequence; the c. name uses the placement nearest the transcript's 3' end. VCF-style (leftmost placement, unchanged base first): chr7-150951469-TGGA-T. GRCh37 (hg19) VCF-style: chr7-150648557-TGGA-T.
Other names: c.901_903del, p.Ser301del (NM_001204798.2, NM_172057.3); c.1632_1634delCTC, p.Ser545del (NM_001406753.1, NM_001406756.1); c.1743_1745delCTC, p.Ser582del (NM_001406755.1); c.1620_1622delCTC, p.Ser541del (NM_001406757.1); c.1920_1922delCTC, p.Ser641del (NM_172056.3); short protein forms S541del, S582del, S301del, S545del, S641del.
Identifiers: ClinVar variation 2088283 (VCV002088283.4), dbSNP rs2486035700, ClinGen allele CA2580077799.

ClinVar aggregate classification (germline): Pathogenic (1 of 4 stars; one submission).

Conditions:
Long QT syndrome (LQTS). Identifiers: MedGen C0023976, MeSH D008133, MONDO:0002442. Disease mechanism: loss of function. Inheritance: Various modes of inheritance.

Submission:

Labcorp Genetics (formerly Invitae), Labcorp
Classification: Pathogenic for Long QT syndrome. Last evaluated: 2024-05-23. Review status: criteria provided, single submitter. Criteria: Invitae Variant Classification Sherloc (09022015). Collection method: clinical testing. Allele origin: germline.
Comment: This variant, c.1921_1923del, results in the deletion of 1 amino acid(s) of the KCNH2 protein (p.Ser641del), but otherwise preserves the integrity of the reading frame. This variant is not present in population databases (gnomAD no frequency). This variant has not been reported in the literature in individuals affected with KCNH2-related conditions. ClinVar contains an entry for this variant (Variation ID: 2088283). This variant disrupts a region of the KCNH2 protein in which other variant(s) (p.Ser641Phe) have been determined to be pathogenic (PMID: 18441445, 22949429, 25417810; Invitae). This suggests that this is a clinically significant region of the protein, and that variants that disrupt it are likely to be disease-causing. For these reasons, this variant has been classified as Pathogenic.

Literature cited by the submitters: PubMed 18441445; PubMed 22949429; PubMed 25417810.